The following is an entry in ClinVar:

NM_001363711.2(DUOX2):c.1736T>C (p.Leu579Pro)

Gene: DUOX2 (dual oxidase 2; minus strand). Cytogenetic location: 15q21.1.
Variant type: single nucleotide variant.
Coding change: c.1736T>C on transcript NM_001363711.2 (MANE Select); coding-DNA position 1736, T replaced by C.
Protein change: p.Leu579Pro; replaces leucine 579 with proline.
Molecular consequence: missense variant.
Genome position (GRCh38, 1-based): chr15:45,106,927, A>G on the plus strand (T>C on the coding strand, the complement: DUOX2 is on the minus strand). VCF-style: chr15-45106927-A-G. GRCh37 (hg19) VCF-style: chr15-45399125-A-G.
Other names: c.1736T>C, p.Leu579Pro (NM_014080.5); short protein forms L579P.
Identifiers: ClinVar variation 5019617 (VCV005019617.2).

ClinVar aggregate classification (germline): Uncertain significance (1 of 4 stars; one submission).

Conditions:
Thyroid dyshormonogenesis 6 (TDH6). Also called: HYPOTHYROIDISM, CONGENITAL, DUE TO DYSHORMONOGENESIS, 6; THYROID HORMONOGENESIS, GENETIC DEFECT IN, 6; Genetic transient congenital hypothyroidism. Identifiers: Orphanet 226316, Orphanet 95716, MedGen C1846632, MONDO:0011792, OMIM 607200.

Submission:

Juno Genomics, Hangzhou Juno Genomics, Inc
Classification: Uncertain significance for Thyroid dyshormonogenesis 6. Review status: criteria provided, single submitter. Criteria: ACMG Guidelines, 2015. Collection method: clinical testing. Allele origin: germline.
Comment: Absent from controls (or at extremely low frequency if recessive) in Genome Aggregation Database.;For recessive disorders, detected in trans with a pathogenic variant.;Patient's phenotype or family history is highly specific for a disease with a single genetic etiology.